The following is an entry in ClinVar:

NM_178452.6(DNAAF1):c.1191G>C (p.Glu397Asp)

Gene: DNAAF1 (dynein axonemal assembly factor 1; plus strand). Cytogenetic location: 16q24.1.
Variant type: single nucleotide variant.
Coding change: c.1191G>C on transcript NM_178452.6 (MANE Select); coding-DNA position 1191, G replaced by C.
Protein change: p.Glu397Asp; replaces glutamic acid 397 with aspartic acid.
Molecular consequence: missense variant.
Genome position (GRCh38, 1-based): chr16:84,170,019, G>C. VCF-style: chr16-84170019-G-C. GRCh37 (hg19) VCF-style: chr16-84203625-G-C.
Other names: c.483G>C, p.Glu161Asp (NM_001318756.1); short protein forms E397D, E161D.
Identifiers: ClinVar variation 216830 (VCV000216830.11), dbSNP rs757727188, ClinGen allele CA339532.

ClinVar aggregate classification (germline): Uncertain significance. Review status: criteria provided, multiple submitters, no conflicts (2 of 4 stars). 2 submissions from 2 submitters: Uncertain significance (2). Last evaluated 2022-06-17.

Conditions:
Primary ciliary dyskinesia. Also called: Ciliary dyskinesia. Identifiers: Orphanet 244, MedGen C0008780, MONDO:0016575, HP:0012265.

Allele frequency attached by ClinVar (database versions not stated): ExAC 0.00003; gnomAD exomes 0.00003; TOPMed 0.00004.
gnomAD v4.1: 19 of 1,613,892 alleles (0.0012%); highest among the groups gnomAD compares: Admixed American, 0.005%; no homozygotes.

Submissions (2):

Ambry Genetics
Classification: Uncertain significance for Primary ciliary dyskinesia. Last evaluated: 2022-06-17. Review status: criteria provided, single submitter. Criteria: Ambry Variant Classification Scheme 2023. Collection method: clinical testing. Allele origin: germline.

Labcorp Genetics (formerly Invitae), Labcorp
Classification: Uncertain significance for Primary ciliary dyskinesia. Last evaluated: 2018-08-01. Review status: criteria provided, single submitter. Criteria: Invitae Variant Classification Sherloc (09022015). Collection method: clinical testing. Allele origin: germline.
Comment: This sequence change replaces glutamic acid with aspartic acid at codon 397 of the DNAAF1 protein (p.Glu397Asp). The glutamic acid residue is weakly conserved and there is a small physicochemical difference between glutamic acid and aspartic acid. In summary, the available evidence is currently insufficient to determine the role of this variant in disease. Therefore, it has been classified as a Variant of Uncertain Significance. Algorithms developed to predict the effect of missense changes on protein structure and function (SIFT, PolyPhen-2, Align-GVGD) all suggest that this variant is likely to be tolerated, but these predictions have not been confirmed by published functional studies and their clinical significance is uncertain. This variant has not been reported in the literature in individuals with DNAAF1-related disease. ClinVar contains an entry for this variant (Variation ID: 216830). This variant is present in population databases (rs757727188, ExAC 0.006%).